The following is an entry in ClinVar:

NM_144997.7(FLCN):c.1669C>T (p.Leu557=)

Gene: FLCN (folliculin; minus strand). Cytogenetic location: 17p11.2.
Variant type: single nucleotide variant.
Coding change: c.1669C>T on transcript NM_144997.7 (MANE Select); coding-DNA position 1669, C replaced by T.
Protein change: p.Leu557=; no amino-acid change (leucine 557 retained).
Molecular consequence: synonymous variant.
Genome position (GRCh38, 1-based): chr17:17,213,726, G>A on the plus strand (C>T on the coding strand, the complement: FLCN is on the minus strand). VCF-style: chr17-17213726-G-A. GRCh37 (hg19) VCF-style: chr17-17117040-G-A.
Other names: c.1669C>T (LRG_325t1); c.1723C>T, p.Leu575= (NM_001353229.2); c.1669C>T, p.Leu557= (NM_001353230.2, NM_001353231.2).
Identifiers: ClinVar variation 241921 (VCV000241921.14), dbSNP rs878855215, ClinGen allele CA10583450.

ClinVar aggregate classification (germline): Benign/Likely benign. Review status: criteria provided, multiple submitters, no conflicts (2 of 4 stars). 3 submissions from 3 submitters: Benign (1); Likely benign (2). Last evaluated 2025-10-26.

Conditions:
Birt-Hogg-Dube syndrome 1 (BHD1). Also called: FIBROFOLLICULOMAS WITH TRICHODISCOMAS AND ACROCHORDONS. Identifiers: Orphanet 122, MedGen CN375946, MONDO:0800445, OMIM 135150.
Hereditary cancer-predisposing syndrome. Also called: Neoplastic Syndromes, Hereditary; Tumor predisposition; Hereditary neoplastic syndrome; Hereditary Cancer Syndrome. Identifiers: Orphanet 140162, MedGen C0027672, MeSH D009386, MONDO:0015356.
Birt-Hogg-Dube syndrome. Also called: Birt Hogg Dubé syndrome. Identifiers: Orphanet 122, MedGen C0346010, MONDO:0800444.

Submissions (3):

Labcorp Genetics (formerly Invitae), Labcorp
Classification: Likely benign for Birt-Hogg-Dube syndrome. Last evaluated: 2025-10-26. Review status: criteria provided, single submitter. Criteria: Invitae Variant Classification Sherloc (09022015). Collection method: clinical testing. Allele origin: germline.

Myriad Genetics, Inc.
Classification: Benign for Birt-Hogg-Dube syndrome 1. Last evaluated: 2024-10-28. Review status: criteria provided, single submitter. Criteria: Myriad Autosomal Dominant, Autosomal Recessive and X-Linked Classification Criteria (2023). Collection method: clinical testing. Allele origin: unknown.
Comment: This variant is considered benign. This variant is a silent/synonymous amino acid change and it is not expected to impact splicing.

Ambry Genetics
Classification: Likely benign for Hereditary cancer-predisposing syndrome. Last evaluated: 2020-03-19. Review status: criteria provided, single submitter. Criteria: Ambry Variant Classification Scheme 2023. Collection method: clinical testing. Allele origin: germline.